The following is an entry in ClinVar:

NM_003737.4(DCHS1):c.767A>T (p.Asn256Ile)

Gene: DCHS1 (dachsous cadherin-related 1; minus strand). Cytogenetic location: 11p15.4.
Variant type: single nucleotide variant.
Coding change: c.767A>T on transcript NM_003737.4 (MANE Select); coding-DNA position 767, A replaced by T.
Protein change: p.Asn256Ile; replaces asparagine 256 with isoleucine.
Molecular consequence: missense variant.
Genome position (GRCh38, 1-based): chr11:6,640,847, T>A on the plus strand (A>T on the coding strand, the complement: DCHS1 is on the minus strand). VCF-style: chr11-6640847-T-A. GRCh37 (hg19) VCF-style: chr11-6662078-T-A.
Other names: short protein forms N256I.
Identifiers: ClinVar variation 1352671 (VCV001352671.6), dbSNP rs756609982, ClinGen allele CA5861092.

ClinVar aggregate classification (germline): Uncertain significance (1 of 4 stars; one submission).

gnomAD v4.1: 5 of 1,614,010 alleles (0.00031%); highest among the groups gnomAD compares: Non-Finnish European, 0.00042%; no homozygotes.

Submission:

Labcorp Genetics (formerly Invitae), Labcorp
Classification: Uncertain significance. Last evaluated: 2025-04-13. Review status: criteria provided, single submitter. Criteria: Invitae Variant Classification Sherloc (09022015). Collection method: clinical testing. Allele origin: germline.
Comment: This sequence change replaces asparagine, which is neutral and polar, with isoleucine, which is neutral and non-polar, at codon 256 of the DCHS1 protein (p.Asn256Ile). This variant is present in population databases (rs756609982, gnomAD 0.0009%). This variant has not been reported in the literature in individuals affected with DCHS1-related conditions. ClinVar contains an entry for this variant (Variation ID: 1352671). Invitae Evidence Modeling of protein sequence and biophysical properties (such as structural, functional, and spatial information, amino acid conservation, physicochemical variation, residue mobility, and thermodynamic stability) indicates that this missense variant is not expected to disrupt DCHS1 protein function with a negative predictive value of 95%. In summary, the available evidence is currently insufficient to determine the role of this variant in disease. Therefore, it has been classified as a Variant of Uncertain Significance.